The following is an entry in ClinVar:

NM_001375905.1(SGMS2):c.405G>A (p.Gly135=)

Genes: CYP2U1-AS1 (CYP2U1 and SGMS2 antisense RNA 1; minus strand), SGMS2 (sphingomyelin synthase 2; plus strand). Cytogenetic location: 4q25.
Variant type: single nucleotide variant.
Coding change: c.405G>A on transcript NM_001375905.1 (MANE Select); coding-DNA position 405, G replaced by A.
Protein change: p.Gly135=; no amino-acid change (glycine 135 retained).
Molecular consequence: synonymous variant. On other transcripts: intron variant (1).
Genome position (GRCh38, 1-based): chr4:107,895,958, G>A. VCF-style: chr4-107895958-G-A. GRCh37 (hg19) VCF-style: chr4-108817114-G-A.
Other names: c.405G>A, p.Gly135= (NM_001136257.2, NM_001136258.2, NM_001375906.1 and 4 more transcripts); c.-64-3617G>A (NM_001375911.1); c.405G>A (NM_001136258.1).
Identifiers: ClinVar variation 2082554 (VCV002082554.6), dbSNP rs139136267, ClinGen allele CA3036759.
Genomic context (GRCh38, chr4:107,895,958, plus strand): 5'-CAAGTTTTTTGATTACATTGATAGGGTGAAATGGGCATTTTCTGTATCAGAAATAAATGG[G>A]ATTATATTAGTTGGATTATGGATCACCCAGTGGCTGTTTCTGAGATACAAGTAAGTAAAT-3'
Protein context (NP_001362834.1, residues 125-145): KWAFSVSEIN[Gly135=]IILVGLWITQ

ClinVar aggregate classification (germline): Benign. Review status: criteria provided, single submitter (1 of 4 stars). 2 submissions from 2 submitters: Benign (1). 1 of the submissions does not count toward it. Last evaluated 2025-12-30.

Conditions:
SGMS2-related disorder. Also called: SGMS2-related condition.

Allele frequency attached by ClinVar (database versions not stated): gnomAD exomes 0.00003; ExAC 0.00007; gnomAD 0.00019; 1000 Genomes Project 0.00020; TOPMed 0.00023; 1000 Genomes Project 30x 0.00031; ESP Exome Variant Server 0.00031.
gnomAD v4.1: 75 of 1,613,876 alleles (0.0046%); highest among the groups gnomAD compares: African/African-American, 0.067%; no homozygotes.

Submissions (2):

Labcorp Genetics (formerly Invitae), Labcorp
Classification: Benign. Last evaluated: 2025-12-30. Review status: criteria provided, single submitter. Criteria: Invitae Variant Classification Sherloc (09022015). Collection method: clinical testing. Allele origin: germline.

PreventionGenetics, part of Exact Sciences
Classification: Likely benign for SGMS2-related condition. Last evaluated: 2021-12-01. Review status: no assertion criteria provided. Collection method: clinical testing. Allele origin: germline. Not counted in ClinVar's aggregate classification.
Comment: This variant is classified as likely benign based on ACMG/AMP sequence variant interpretation guidelines (Richards et al. 2015 PMID: 25741868, with internal and published modifications).